The following is an entry in ClinVar:

NM_006767.4(LZTR1):c.1877T>A (p.Val626Glu)

Gene: LZTR1 (leucine zipper like post translational regulator 1; plus strand). Cytogenetic location: 22q11.21.
Variant type: single nucleotide variant.
Coding change: c.1877T>A on transcript NM_006767.4 (MANE Select); coding-DNA position 1877, T replaced by A.
Protein change: p.Val626Glu; replaces valine 626 with glutamic acid.
Molecular consequence: missense variant.
Genome position (GRCh38, 1-based): chr22:20,994,961, T>A. VCF-style: chr22-20994961-T-A. GRCh37 (hg19) VCF-style: chr22-21349250-T-A.
Other names: short protein forms V626E.
Identifiers: ClinVar variation 1781806 (VCV001781806.8), dbSNP rs1924776154, ClinGen allele CA410778647.
Genomic context (GRCh38, chr22:20,994,961, plus strand): 5'-CCCACTTCAACCAGGTGATCATGATGAAGGAGTTCGAGCGCCTCTCCTCTCCACTGATAG[T>A]GGAGATTGTGCGGCGGAAGCAGCAGCCGCCCCCTCGCACTCCCTTGGACCAGCCAGTGGA-3'
Protein context (NP_006758.2, residues 616-636): EFERLSSPLI[Val626Glu]EIVRRKQQPP

ClinVar aggregate classification (germline): Uncertain significance. Review status: criteria provided, multiple submitters, no conflicts (2 of 4 stars). 2 submissions from 2 submitters: Uncertain significance (2). Last evaluated 2025-05-07.

Conditions:
Hereditary cancer-predisposing syndrome. Also called: Neoplastic Syndromes, Hereditary; Tumor predisposition; Hereditary Cancer Syndrome; Hereditary neoplastic syndrome. Identifiers: Orphanet 140162, MedGen C0027672, MeSH D009386, MONDO:0015356.
Cardiovascular phenotype. Identifiers: MedGen CN230736.

gnomAD v4.1: 1 of 1,613,248 alleles (0.000062%); highest among the groups gnomAD compares: Non-Finnish European, 0.000085%; no homozygotes.

Submissions (2):

Ambry Genetics
Classification: Uncertain significance for Cardiovascular phenotype; Hereditary cancer-predisposing syndrome. Last evaluated: 2025-05-07. Review status: criteria provided, single submitter. Criteria: Ambry Variant Classification Scheme 2023. Collection method: clinical testing. Allele origin: germline.
Comment: The p.V626E variant (also known as c.1877T>A), located in coding exon 16 of the LZTR1 gene, results from a T to A substitution at nucleotide position 1877. The valine at codon 626 is replaced by glutamic acid, an amino acid with dissimilar properties. This amino acid position is highly conserved in available vertebrate species. In addition, this alteration is predicted to be deleterious by in silico analysis. Based on the available evidence, the clinical significance of this variant remains unclear.

Labcorp Genetics (formerly Invitae), Labcorp
Classification: Uncertain significance. Last evaluated: 2022-05-21. Review status: criteria provided, single submitter. Criteria: Invitae Variant Classification Sherloc (09022015). Collection method: clinical testing. Allele origin: germline.
Comment: In summary, the available evidence is currently insufficient to determine the role of this variant in disease. Therefore, it has been classified as a Variant of Uncertain Significance. Algorithms developed to predict the effect of missense changes on protein structure and function are either unavailable or do not agree on the potential impact of this missense change (SIFT: "Deleterious"; PolyPhen-2: "Probably Damaging"; Align-GVGD: "Class C0"). This variant has not been reported in the literature in individuals affected with LZTR1-related conditions. This variant is not present in population databases (gnomAD no frequency). This sequence change replaces valine, which is neutral and non-polar, with glutamic acid, which is acidic and polar, at codon 626 of the LZTR1 protein (p.Val626Glu).